The following is an entry in ClinVar:

ClinVar aggregate classification (germline): Uncertain significance (1 of 4 stars; one submission).

Conditions:
Brugada syndrome 4 (BRGDA4). Identifiers: Orphanet 130, MedGen C2678477, MONDO:0012743, OMIM 611876.

gnomAD v4.1: 5 of 1,564,040 alleles (0.00032%); highest among the groups gnomAD compares: Middle Eastern, 0.017%; no homozygotes.

Submission:

Labcorp Genetics (formerly Invitae), Labcorp
Classification: Uncertain significance for Brugada syndrome 4. Last evaluated: 2024-06-30. Review status: criteria provided, single submitter. Criteria: Invitae Variant Classification Sherloc (09022015). Collection method: clinical testing. Allele origin: germline.
Comment: This sequence change falls in intron 10 of the CACNB2 gene. It does not directly change the encoded amino acid sequence of the CACNB2 protein. It affects a nucleotide within the consensus splice site. This variant is present in population databases (rs765269766, gnomAD 0.003%). This variant has not been reported in the literature in individuals affected with CACNB2-related conditions. Variants that disrupt the consensus splice site are a relatively common cause of aberrant splicing (PMID: 17576681, 9536098). Algorithms developed to predict the effect of sequence changes on RNA splicing suggest that this variant is not likely to affect RNA splicing. In summary, the available evidence is currently insufficient to determine the role of this variant in disease. Therefore, it has been classified as a Variant of Uncertain Significance.

Literature cited by the submitters: PubMed 17576681; PubMed 9536098.

NM_201596.3(CACNB2):c.1207-3C>T

Gene: CACNB2 (calcium voltage-gated channel auxiliary subunit beta 2; plus strand). Cytogenetic location: 10p12.31.
Variant type: single nucleotide variant.
Coding change: c.1207-3C>T on transcript NM_201596.3 (MANE Select); 3 bases into the intron before coding-DNA position 1207, C replaced by T.
Molecular consequence: intron variant.
Genome position (GRCh38, 1-based): chr10:18,536,098, C>T. VCF-style: chr10-18536098-C-T. GRCh37 (hg19) VCF-style: chr10-18825027-C-T.
Other names: c.1123-3C>T (NM_201571.4); c.1009-3C>T (NM_001167945.2); c.1051-3C>T (NM_201572.4); c.1093-3C>T (NM_201593.3); c.1135-3C>T (NM_201597.3); c.1042-3C>T (NM_000724.4); c.928-3C>T (NM_001330060.2); c.1045-3C>T (NM_201590.3); and 2 more.
Identifiers: ClinVar variation 3712866 (VCV003712866.2).